The following is an entry in ClinVar:

ClinVar aggregate classification (germline): Uncertain significance. Review status: criteria provided, multiple submitters, no conflicts (2 of 4 stars). 2 submissions from 2 submitters: Uncertain significance (2). Last evaluated 2024-10-18.

Conditions:
Hereditary cancer-predisposing syndrome. Also called: Hereditary neoplastic syndrome; Neoplastic Syndromes, Hereditary; Hereditary Cancer Syndrome; Tumor predisposition. Identifiers: Orphanet 140162, MedGen C0027672, MeSH D009386, MONDO:0015356.
Hereditary breast ovarian cancer syndrome. Also called: Hereditary breast and ovarian cancer; Hereditary breast and/or ovarian cancer syndrome; Hereditary breast and ovarian cancer syndrome; Hereditary breast and ovarian cancer syndrome (HBOC); Breast and ovarian cancer; BRCA1- and BRCA2-Associated Hereditary Breast and Ovarian Cancer. Identifiers: Orphanet 145, MedGen C0677776, MeSH D061325, MONDO:0003582. Disease mechanism: loss of function.

Allele frequency attached by ClinVar (database versions not stated): gnomAD exomes below 0.00001; TOPMed 0.00001.
gnomAD v4.1: 1 of 1,614,216 alleles (0.000062%); highest among the groups gnomAD compares: African/African-American, 0.0013%; no homozygotes.

Submissions (2):

Labcorp Genetics (formerly Invitae), Labcorp
Classification: Uncertain significance for Hereditary breast ovarian cancer syndrome. Last evaluated: 2024-10-18. Review status: criteria provided, single submitter. Criteria: Invitae Variant Classification Sherloc (09022015). Collection method: clinical testing. Allele origin: germline.
Comment: This sequence change replaces glutamic acid, which is acidic and polar, with lysine, which is basic and polar, at codon 1630 of the BRCA1 protein (p.Glu1630Lys). This variant is not present in population databases (gnomAD no frequency). This variant has not been reported in the literature in individuals affected with BRCA1-related conditions. ClinVar contains an entry for this variant (Variation ID: 967028). Invitae Evidence Modeling of protein sequence and biophysical properties (such as structural, functional, and spatial information, amino acid conservation, physicochemical variation, residue mobility, and thermodynamic stability) indicates that this missense variant is not expected to disrupt BRCA1 protein function with a negative predictive value of 95%. In summary, the available evidence is currently insufficient to determine the role of this variant in disease. Therefore, it has been classified as a Variant of Uncertain Significance.

Ambry Genetics
Classification: Uncertain significance for Hereditary cancer-predisposing syndrome. Last evaluated: 2023-11-03. Review status: criteria provided, single submitter. Criteria: Ambry Variant Classification Scheme 2023. Collection method: clinical testing. Allele origin: germline.
Comment: The p.E1630K variant (also known as c.4888G>A), located in coding exon 14 of the BRCA1 gene, results from a G to A substitution at nucleotide position 4888. The glutamic acid at codon 1630 is replaced by lysine, an amino acid with similar properties. This amino acid position is not well conserved in available vertebrate species. In addition, the in silico prediction for this alteration is inconclusive. Since supporting evidence is limited at this time, the clinical significance of this alteration remains unclear.

NM_007294.4(BRCA1):c.4888G>A (p.Glu1630Lys)

Gene: BRCA1 (BRCA1 DNA repair associated; minus strand). Cytogenetic location: 17q21.31.
Variant type: single nucleotide variant.
Coding change: c.4888G>A on transcript NM_007294.4 (MANE Select); coding-DNA position 4888, G replaced by A.
Protein change: p.Glu1630Lys; replaces glutamic acid 1630 with lysine.
Molecular consequence: missense variant. On other transcripts: non-coding transcript variant (1).
Genome position (GRCh38, 1-based): chr17:43,071,026, C>T on the plus strand (G>A on the coding strand, the complement: BRCA1 is on the minus strand). VCF-style: chr17-43071026-C-T. GRCh37 (hg19) VCF-style: chr17-41223043-C-T.
Other names: c.4675G>A, p.Glu1559Lys (NM_001407571.1, NM_001407894.1, NM_001407895.1 and 12 more transcripts); c.4954G>A, p.Glu1652Lys (NM_001407581.1, NM_001407582.1); c.4951G>A, p.Glu1651Lys (NM_001407583.1, NM_001407585.1, NM_001407587.1 and 1 more transcripts); c.4948G>A, p.Glu1650Lys (NM_001407590.1, NM_001407591.1); c.4888G>A, p.Glu1630Lys (NM_001407593.1, NM_001407594.1, NM_001407596.1 and 8 more transcripts); c.4885G>A, p.Glu1629Lys (NM_001407610.1, NM_001407611.1, NM_001407612.1 and 17 more transcripts); c.4882G>A, p.Glu1628Lys (NM_001407627.1, NM_001407628.1, NM_001407629.1 and 14 more transcripts); c.4879G>A, p.Glu1627Lys (NM_001407644.1, NM_001407645.1); and 70 more; short protein forms E1583K, E1630K, E1651K, E526K, E1334K, E1461K, E1517K, E1586K.
Identifiers: ClinVar variation 967028 (VCV000967028.12), dbSNP rs1173155015, ClinGen allele CA10591751.
Genomic context (GRCh38, chr17:43,071,026, plus strand): 5'-TTCTTTTGTTGACCCTTTCTGTTGAAGCTGTCAATTCTGGCTTCTCCCTGCTCACACTTT[C>T]TTCCATTGCATTATACCCAGCAGTATCAGTAGTATGAGCAGCAGCTGGACTCTGGGCAGA-3'
Protein context (NP_009225.1, residues 1620-1640): TDTAGYNAME[Glu1630Lys]SVSREKPELT